The following is an entry in ClinVar:

ClinVar aggregate classification (germline): Uncertain significance (1 of 4 stars; one submission).

Conditions:
RFT1-congenital disorder of glycosylation (CDG1N). Also called: Congenital disorder of glycosylation type In; CDG In; RFT1-CDG. Identifiers: Orphanet 244310, MedGen C2677590, MONDO:0012783, OMIM 612015.

Allele frequency attached by ClinVar (database versions not stated): gnomAD exomes below 0.00001.
gnomAD v4.1: 2 of 1,612,756 alleles (0.00012%); highest among the groups gnomAD compares: Non-Finnish European, 0.00017%; no homozygotes.

Submission:

Labcorp Genetics (formerly Invitae), Labcorp
Classification: Uncertain significance for RFT1-congenital disorder of glycosylation. Last evaluated: 2020-12-30. Review status: criteria provided, single submitter. Criteria: Invitae Variant Classification Sherloc (09022015). Collection method: clinical testing. Allele origin: germline.
Comment: In summary, the available evidence is currently insufficient to determine the role of this variant in disease. Therefore, it has been classified as a Variant of Uncertain Significance. Algorithms developed to predict the effect of sequence changes on RNA splicing suggest that this variant may disrupt the consensus splice site, but this prediction has not been confirmed by published transcriptional studies. This variant has not been reported in the literature in individuals with RFT1-related conditions. This variant is not present in population databases (ExAC no frequency). This sequence change creates a premature translational stop signal (p.Arg50*) in the RFT1 gene. It is expected to result in an absent or disrupted protein product. However, the current clinical and genetic evidence is not sufficient to establish whether loss-of-function variants in RFT1 cause disease.

NM_052859.4(RFT1):c.148A>T (p.Arg50Ter)

Gene: RFT1 (RFT1 glycolipid translocator homolog; minus strand). Cytogenetic location: 3p21.1.
Variant type: single nucleotide variant.
Coding change: c.148A>T on transcript NM_052859.4 (MANE Select); coding-DNA position 148, A replaced by T.
Protein change: p.Arg50Ter; replaces arginine 50 with a stop codon.
Molecular consequence: nonsense.
Genome position (GRCh38, 1-based): chr3:53,125,910, T>A on the plus strand (A>T on the coding strand, the complement: RFT1 is on the minus strand). VCF-style: chr3-53125910-T-A. GRCh37 (hg19) VCF-style: chr3-53159926-T-A.
Other names: short protein forms R50*.
Identifiers: ClinVar variation 1361489 (VCV001361489.6), dbSNP rs2107173109, ClinGen allele CA353223755.